The following is an entry in ClinVar:

NM_001323289.2(CDKL5):c.176G>A (p.Arg59Gln)

Gene: CDKL5 (cyclin dependent kinase like 5; plus strand). Cytogenetic location: Xp22.13.
Variant type: single nucleotide variant.
Coding change: c.176G>A on transcript NM_001323289.2 (MANE Select); coding-DNA position 176, G replaced by A.
Protein change: p.Arg59Gln; replaces arginine 59 with glutamine.
Molecular consequence: missense variant.
Genome position (GRCh38, 1-based): chrX:18,575,384, G>A. VCF-style: chrX-18575384-G-A. GRCh37 (hg19) VCF-style: chrX-18593504-G-A.
Other names: NM_001323289.2(CDKL5):c.176G>A; p.Arg59Gln; c.176G>A, p.Arg59Gln (NM_001037343.2, NM_003159.3); short protein forms R59Q.
Identifiers: ClinVar variation 496681 (VCV000496681.4), dbSNP rs1555949009, ClinGen allele CA412348584.

ClinVar aggregate classification (germline): Uncertain significance. Review status: reviewed by expert panel (3 of 4 stars). 3 submissions from 3 submitters: Uncertain significance (1). 2 of the submissions do not count toward it. Last evaluated 2025-08-27.

Conditions:
CDKL5 disorder. Identifiers: MedGen CN296942, MONDO:0100039.
Developmental and epileptic encephalopathy, 2 (DEE2). Also called: INFANTILE SPASM SYNDROME, X-LINKED 2; CDKL5 deficiency disorder. Identifiers: Orphanet 1934, Orphanet 3451, Orphanet 505652, MedGen C4750718, MONDO:0010396, OMIM 300672.

Allele frequency attached by ClinVar (database versions not stated): gnomAD 0.00001; TOPMed 0.00001.
gnomAD v4.1: 1 of 1,206,841 alleles (0.000083%); highest among the groups gnomAD compares: Non-Finnish European, 0.00011%; no homozygotes.

Submissions (3):

ClinGen Rett and Angelman-like Disorders Variant Curation Expert Panel
Classification: Uncertain significance for CDKL5 disorder. Last evaluated: 2025-08-27. Review status: reviewed by expert panel. Criteria: ClinGen RettAS ACMG Specifications CDKL5 V5.0.0. Collection method: curation. Allele origin: germline. Inheritance: X-linked inheritance.
Comment: The highest population minor allele frequency of the p.Arg59Gln variant in CDKL5 in gnomAD v4.1 is 0.00000112 in Non-Finnish European population (not sufficient to meet BS1 criteria). The p.Arg59Gln variant is observed in at least 1 unaffected individual (internal database - GeneDx) (BS2-supporting). Computational prediction analysis tools are inconclusive for this variant. The p.Arg59Gln variant in CDKL5 has been reported as a de novo occurrence (biological parentage unconfirmed) in an individual with epileptic encephalopathy (internal database - Équipe Génétique des Anomalies du Développement (GAD)) (PM6). In summary, the p.Arg59Gln variant in CDKL5 is classified as uncertain significance based on the ACMG/AMP criteria (BS2_Supporting, PM6). (CDKL5 Specifications v.5.0.0; curation approved on 8/27/2025)

GeneDx
Classification: Uncertain significance. Last evaluated: 2024-02-04. Review status: criteria provided, single submitter. Criteria: GeneDx Variant Classification Process June 2021. Collection method: clinical testing. Allele origin: germline. Affected: yes. Not counted in ClinVar's aggregate classification.
Comment: Not observed at significant frequency in large population cohorts (gnomAD); In silico analysis supports that this missense variant has a deleterious effect on protein structure/function; Has not been previously published as pathogenic or benign to our knowledge

Equipe Genetique des Anomalies du Developpement, Université de Bourgogne
Classification: Likely pathogenic for Developmental and epileptic encephalopathy, 2. Last evaluated: 2016-08-15. Review status: criteria provided, single submitter. Criteria: ACMG Guidelines, 2015. Collection method: clinical testing. Allele origin: de novo. Affected: yes. Not counted in ClinVar's aggregate classification.